The following is an entry in ClinVar:

ClinVar aggregate classification (germline): Likely benign. Review status: criteria provided, single submitter (1 of 4 stars). 2 submissions from 2 submitters: Likely benign (1). 1 of the submissions does not count toward it. Last evaluated 2026-07-01.

Conditions:
BAZ2B-related disorder. Also called: BAZ2B-related condition.

Allele frequency attached by ClinVar (database versions not stated): 1000 Genomes Project 0.00040; 1000 Genomes Project 30x 0.00047; ESP Exome Variant Server 0.00085; TOPMed 0.00099; gnomAD 0.00115.
gnomAD v4.1: 2,158 of 1,606,714 alleles (0.13%); highest among the groups gnomAD compares: Non-Finnish European, 0.17%; 3 homozygotes.

Submissions (2):

CeGaT Center for Human Genetics Tuebingen
Classification: Likely benign. Last evaluated: 2026-07-01. Review status: criteria provided, single submitter. Criteria: CeGaT Center For Human Genetics Tuebingen Variant Classification Criteria Version 2. Collection method: clinical testing. Allele origin: germline. Affected: yes. Observed: 2 variant alleles.
Comment: BAZ2B: BP4

PreventionGenetics, part of Exact Sciences
Classification: Likely benign for BAZ2B-related condition. Last evaluated: 2019-03-14. Review status: no assertion criteria provided. Collection method: clinical testing. Allele origin: germline. Not counted in ClinVar's aggregate classification.
Comment: This variant is classified as likely benign based on ACMG/AMP sequence variant interpretation guidelines (Richards et al. 2015 PMID: 25741868, with internal and published modifications).

NM_013450.4(BAZ2B):c.3687-4G>A

Gene: BAZ2B (bromodomain adjacent to zinc finger domain 2B; minus strand). Cytogenetic location: 2q24.2.
Variant type: single nucleotide variant.
Coding change: c.3687-4G>A on transcript NM_013450.4 (MANE Select); 4 bases into the intron before coding-DNA position 3687, G replaced by A.
Molecular consequence: intron variant.
Genome position (GRCh38, 1-based): chr2:159,383,684, C>T on the plus strand (G>A on the coding strand, the complement: BAZ2B is on the minus strand). VCF-style: chr2-159383684-C-T. GRCh37 (hg19) VCF-style: chr2-160240195-C-T.
Other names: c.3579-4G>A (NM_001289975.1); c.3525-4G>A (NM_001329857.2); c.3612-4G>A (NM_001329858.2).
Identifiers: ClinVar variation 3053505 (VCV003053505.8), dbSNP rs191861989, ClinGen allele CA1924287.